The following is an entry in ClinVar:

ClinVar aggregate classification (germline): Uncertain significance. Review status: criteria provided, multiple submitters, no conflicts (2 of 4 stars). 2 submissions from 2 submitters: Uncertain significance (2). Last evaluated 2025-07-29.

Conditions:
Cardiovascular phenotype. Identifiers: MedGen CN230736.

gnomAD v4.1: 51 of 1,612,738 alleles (0.0032%); highest among the groups gnomAD compares: Non-Finnish European, 0.0042%; no homozygotes.

Submissions (2):

Ambry Genetics
Classification: Uncertain significance for Cardiovascular phenotype. Last evaluated: 2025-07-29. Review status: criteria provided, single submitter. Criteria: Ambry Variant Classification Scheme 2023. Collection method: clinical testing. Allele origin: germline.
Comment: The p.R2812H variant (also known as c.8435G>A), located in coding exon 23 of the TNXB gene, results from a G to A substitution at nucleotide position 8435. The arginine at codon 2812 is replaced by histidine, an amino acid with highly similar properties. This amino acid position is well conserved in available vertebrate species. In addition, this alteration is predicted to be tolerated by in silico analysis. Since supporting evidence is limited at this time, the clinical significance of this alteration remains unclear.

CeGaT Center for Human Genetics Tuebingen
Classification: Uncertain significance. Last evaluated: 2022-10-01. Review status: criteria provided, single submitter. Criteria: CeGaT Center For Human Genetics Tuebingen Variant Classification Criteria Version 2. Collection method: clinical testing. Allele origin: germline. Affected: yes. Observed: 1 variant allele.
Comment: TNXB: PM2, BP4

NM_001365276.2(TNXB):c.8435G>A (p.Arg2812His)

Gene: TNXB (tenascin XB; minus strand). Cytogenetic location: 6p21.33.
Variant type: single nucleotide variant.
Coding change: c.8435G>A on transcript NM_001365276.2 (MANE Select); coding-DNA position 8435, G replaced by A.
Protein change: p.Arg2812His; replaces arginine 2812 with histidine.
Molecular consequence: missense variant.
Genome position (GRCh38, 1-based): chr6:32,055,883, C>T on the plus strand (G>A on the coding strand, the complement: TNXB is on the minus strand). VCF-style: chr6-32055883-C-T. GRCh37 (hg19) VCF-style: chr6-32023660-C-T.
Other names: c.8435G>A, p.Arg2812His (NM_019105.8); short protein forms R2812H.
Identifiers: ClinVar variation 1763371 (VCV001763371.32), dbSNP rs199967634, ClinGen allele CA3733849.